The following is an entry in ClinVar:

NM_001048166.1(STIL):c.2906A>G (p.His969Arg)

Gene: STIL (STIL centriolar assembly protein; minus strand). Cytogenetic location: 1p33.
Variant type: single nucleotide variant.
Coding change: c.2906A>G on transcript NM_001048166.1 (MANE Select); coding-DNA position 2906, A replaced by G.
Protein change: p.His969Arg; replaces histidine 969 with arginine.
Molecular consequence: missense variant.
Genome position (GRCh38, 1-based): chr1:47,260,463, T>C on the plus strand (A>G on the coding strand, the complement: STIL is on the minus strand). VCF-style: chr1-47260463-T-C. GRCh37 (hg19) VCF-style: chr1-47726135-T-C.
Other names: c.2903A>G, p.His968Arg (NM_001282936.1, NM_003035.2); c.2852A>G, p.His951Arg (NM_001282937.1); c.2765A>G, p.His922Arg (NM_001282938.1); c.2711A>G, p.His904Arg (NM_001282939.1); short protein forms H969R, H968R, H904R, H922R, H951R.
Identifiers: ClinVar variation 194628 (VCV000194628.43), dbSNP rs148193936, ClinGen allele CA240712.
Genomic context (GRCh38, chr1:47,260,463, plus strand): 5'-AGTCTTGAATGATGTGTTTTTTTCTTTGTATGGTAAACGTTTTGGGTTCTGGTGCATTCA[T>C]GACTGATAATTACTGCTTTGGTAGACGGCTGCTCAGTTTCCTTGGAGGAACTATTTAATA-3'
Protein context (NP_001041631.1, residues 959-979): QPSTKAVIIS[His969Arg]ECTRTQNVYH

ClinVar aggregate classification (germline): Conflicting classifications of pathogenicity. Review status: criteria provided, conflicting classifications (1 of 4 stars). 7 submissions from 7 submitters: Uncertain significance (4); Likely benign (2). 1 of the submissions does not count toward it. Last evaluated 2025-10-22.

Conditions:
STIL-related disorder. Also called: STIL-related condition.
Microcephaly 7, primary, autosomal recessive. Identifiers: Orphanet 2512, MedGen C2675187, MONDO:0012989, OMIM 612703.

Allele frequency attached by ClinVar (database versions not stated): 1000 Genomes Project 0.00080; gnomAD 0.00085; ExAC 0.00093; 1000 Genomes Project 30x 0.00094; TOPMed 0.00096; gnomAD exomes 0.00099 and 0.00147; ESP Exome Variant Server 0.00161.
gnomAD v4.1: 2,258 of 1,614,232 alleles (0.14%); highest among the groups gnomAD compares: Non-Finnish European, 0.18%; 4 homozygotes.

Submissions (7):

Labcorp Genetics (formerly Invitae), Labcorp
Classification: Uncertain significance. Last evaluated: 2025-10-22. Review status: criteria provided, single submitter. Criteria: Invitae Variant Classification Sherloc (09022015). Collection method: clinical testing. Allele origin: germline.
Comment: This sequence change replaces histidine, which is basic and polar, with arginine, which is basic and polar, at codon 968 of the STIL protein (p.His968Arg). This variant is present in population databases (rs148193936, gnomAD 0.2%), and has an allele count higher than expected for a pathogenic variant. This variant has not been reported in the literature in individuals affected with STIL-related conditions. ClinVar contains an entry for this variant (Variation ID: 194628). Invitae Evidence Modeling of protein sequence and biophysical properties (such as structural, functional, and spatial information, amino acid conservation, physicochemical variation, residue mobility, and thermodynamic stability) indicates that this missense variant is not expected to disrupt STIL protein function with a negative predictive value of 80%. In summary, the available evidence is currently insufficient to determine the role of this variant in disease. Therefore, it has been classified as a Variant of Uncertain Significance.

CeGaT Center for Human Genetics Tuebingen
Classification: Likely benign. Last evaluated: 2023-09-01. Review status: criteria provided, single submitter. Criteria: CeGaT Center For Human Genetics Tuebingen Variant Classification Criteria Version 2. Collection method: clinical testing. Allele origin: germline. Affected: yes. Observed: 2 variant alleles.
Comment: STIL: BP4

GeneDx
Classification: Likely benign. Last evaluated: 2020-11-03. Review status: criteria provided, single submitter. Criteria: GeneDx Variant Classification Process June 2021. Collection method: clinical testing. Allele origin: germline. Affected: yes.

Illumina Laboratory Services, Illumina
Classification: Uncertain significance for Microcephaly 7, primary, autosomal recessive. Last evaluated: 2018-01-13. Review status: criteria provided, single submitter. Criteria: ICSL Variant Classification Criteria 13 December 2019. Collection method: clinical testing. Allele origin: germline.

Genetic Services Laboratory, University of Chicago
Classification: Uncertain significance. Last evaluated: 2016-04-01. Review status: criteria provided, single submitter. Criteria: ACMG Guidelines, 2015. Collection method: clinical testing. Allele origin: germline. Affected: no.

Eurofins Ntd Llc (ga)
Classification: Uncertain significance. Last evaluated: 2014-12-02. Review status: criteria provided, single submitter. Criteria: EGL Classification Definitions 2015. Collection method: clinical testing. Allele origin: germline. Observed: 2 variant alleles, 2 heterozygotes.

PreventionGenetics, part of Exact Sciences
Classification: Likely benign for STIL-related condition. Last evaluated: 2023-02-25. Review status: no assertion criteria provided. Collection method: clinical testing. Allele origin: germline. Not counted in ClinVar's aggregate classification.
Comment: This variant is classified as likely benign based on ACMG/AMP sequence variant interpretation guidelines (Richards et al. 2015 PMID: 25741868, with internal and published modifications).